The following is an entry in ClinVar:

ClinVar aggregate classification (germline): Uncertain significance (1 of 4 stars; one submission).

gnomAD v4.1: 12 of 1,614,026 alleles (0.00074%); highest among the groups gnomAD compares: Middle Eastern, 0.016%; no homozygotes.

Submissions (2):

Labcorp Genetics (formerly Invitae), Labcorp
Classification: Uncertain significance. Last evaluated: 2025-09-15. Review status: criteria provided, single submitter. Criteria: Invitae Variant Classification Sherloc (09022015). Collection method: clinical testing. Allele origin: germline.
Comment: This sequence change replaces alanine, which is neutral and non-polar, with valine, which is neutral and non-polar, at codon 270 of the RIPK1 protein (p.Ala270Val). This variant is present in population databases (no rsID available, gnomAD 0.003%). This variant has not been reported in the literature in individuals affected with RIPK1-related conditions. ClinVar contains an entry for this variant (Variation ID: 3606795). An algorithm developed to predict the effect of missense changes on protein structure and function outputs the following: PolyPhen-2: "Benign". The valine amino acid residue is found in multiple mammalian species, which suggests that this missense change does not adversely affect protein function. In summary, the available evidence is currently insufficient to determine the role of this variant in disease. Therefore, it has been classified as a Variant of Uncertain Significance.

Dr. Peter K. Rogan Lab, Western University
No classification provided (evidence only). Condition: Hepatocellular carcinoma. Review status: no classification provided. Collection method: in vitro. Allele origin: not applicable. Functional consequence: retained intron. Not counted in ClinVar's aggregate classification.

NM_001354930.2(RIPK1):c.809C>T (p.Ala270Val)

Gene: RIPK1 (receptor interacting serine/threonine kinase 1; plus strand). Cytogenetic location: 6p25.2.
Variant type: single nucleotide variant.
Coding change: c.809C>T on transcript NM_001354930.2 (MANE Select); coding-DNA position 809, C replaced by T.
Protein change: p.Ala270Val; replaces alanine 270 with valine.
Molecular consequence: missense variant.
Genome position (GRCh38, 1-based): chr6:3,085,379, C>T. VCF-style: chr6-3085379-C-T. GRCh37 (hg19) VCF-style: chr6-3085613-C-T.
Other names: c.320C>T, p.Ala107Val (NM_001354933.2, NM_001354934.2, NM_001317061.3 and 1 more transcripts); c.809C>T, p.Ala270Val (NM_003804.6); c.671C>T, p.Ala224Val (NM_001354931.2); short protein forms A107V, A224V, A270V.
Identifiers: ClinVar variation 3606795 (VCV003606795.3).